The following is an entry in ClinVar:

NM_031471.6(FERMT3):c.599G>A (p.Arg200Gln)

Gene: FERMT3 (FERM domain containing kindlin 3; plus strand). Cytogenetic location: 11q13.1.
Variant type: single nucleotide variant.
Coding change: c.599G>A on transcript NM_031471.6 (MANE Select); coding-DNA position 599, G replaced by A.
Protein change: p.Arg200Gln; replaces arginine 200 with glutamine.
Molecular consequence: missense variant.
Genome position (GRCh38, 1-based): chr11:64,211,359, G>A. VCF-style: chr11-64211359-G-A. GRCh37 (hg19) VCF-style: chr11-63978831-G-A.
Other names: c.599G>A, p.Arg200Gln (NM_001382361.1, NM_001382362.1, NM_001382448.1 and 1 more transcripts); c.59G>A, p.Arg20Gln (NM_001382363.1, NM_001382364.1); c.599G>A (NM_031471.5); short protein forms R200Q, R20Q.
Identifiers: ClinVar variation 1449453 (VCV001449453.7), dbSNP rs775750630, ClinGen allele CA6068817.

ClinVar aggregate classification (germline): Uncertain significance. Review status: criteria provided, multiple submitters, no conflicts (2 of 4 stars). 2 submissions from 2 submitters: Uncertain significance (2). Last evaluated 2022-09-07.

Conditions:
Inborn genetic diseases. Identifiers: MedGen C0950123, MeSH D030342.
Leukocyte adhesion deficiency 3. Also called: INTEGRIN ACTIVATION DEFICIENCY DISEASE; LEUKOCYTE ADHESION DEFICIENCY 1 VARIANT; Leukocyte adhesion deficiency, type III. Identifiers: Orphanet 2968, Orphanet 99844, MedGen C2748536, MONDO:0013016, OMIM 612840.

Allele frequency attached by ClinVar (database versions not stated): gnomAD 0.00001 and 0.00002; gnomAD exomes 0.00001; TOPMed 0.00001; ExAC 0.00003.
gnomAD v4.1: 12 of 1,610,988 alleles (0.00074%); highest among the groups gnomAD compares: East Asian, 0.0067%; no homozygotes.

Submissions (2):

Ambry Genetics
Classification: Uncertain significance for Inborn genetic diseases. Last evaluated: 2022-09-07. Review status: criteria provided, single submitter. Criteria: Ambry Variant Classification Scheme 2023. Collection method: clinical testing. Allele origin: germline.

Labcorp Genetics (formerly Invitae), Labcorp
Classification: Uncertain significance for Leukocyte adhesion deficiency 3. Last evaluated: 2021-02-15. Review status: criteria provided, single submitter. Criteria: Invitae Variant Classification Sherloc (09022015). Collection method: clinical testing. Allele origin: germline.
Comment: In summary, the available evidence is currently insufficient to determine the role of this variant in disease. Therefore, it has been classified as a Variant of Uncertain Significance. Algorithms developed to predict the effect of missense changes on protein structure and function (SIFT, PolyPhen-2, Align-GVGD) all suggest that this variant is likely to be tolerated, but these predictions have not been confirmed by published functional studies and their clinical significance is uncertain. This variant has not been reported in the literature in individuals with FERMT3-related conditions. This variant is present in population databases (rs775750630, ExAC 0.01%). This sequence change replaces arginine with glutamine at codon 200 of the FERMT3 protein (p.Arg200Gln). The arginine residue is moderately conserved and there is a small physicochemical difference between arginine and glutamine.